The following is an entry in ClinVar:

NM_015466.4(PTPN23):c.3730A>T (p.Ile1244Phe)

Gene: PTPN23 (protein tyrosine phosphatase non-receptor type 23; plus strand). Cytogenetic location: 3p21.31.
Variant type: single nucleotide variant.
Coding change: c.3730A>T on transcript NM_015466.4 (MANE Select); coding-DNA position 3730, A replaced by T.
Protein change: p.Ile1244Phe; replaces isoleucine 1244 with phenylalanine.
Molecular consequence: missense variant.
Genome position (GRCh38, 1-based): chr3:47,411,528, A>T. VCF-style: chr3-47411528-A-T. GRCh37 (hg19) VCF-style: chr3-47453018-A-T.
Other names: c.3352A>T, p.Ile1118Phe (NM_001304482.2); short protein forms I1244F, I1118F.
Identifiers: ClinVar variation 5006628 (VCV005006628.2).

ClinVar aggregate classification (germline): Uncertain significance (1 of 4 stars; one submission).

Conditions:
Neurodevelopmental disorder and structural brain anomalies with or without seizures and spasticity. Identifiers: MedGen C5394423, MONDO:0030046, OMIM 618890.

Submission:

Juno Genomics, Hangzhou Juno Genomics, Inc
Classification: Uncertain significance for Neurodevelopmental disorder and structural brain anomalies with or without seizures and spasticity. Review status: criteria provided, single submitter. Criteria: ACMG Guidelines, 2015. Collection method: clinical testing. Allele origin: germline.
Comment: Absent from controls (or at extremely low frequency if recessive) in Genome Aggregation Database.;Multiple lines of computational evidence support a deleterious effect on the gene or gene product.